The following is an entry in ClinVar:

NM_182914.3(SYNE2):c.19624G>T (p.Gly6542Trp)

Gene: SYNE2 (spectrin repeat containing nuclear envelope protein 2; plus strand). Cytogenetic location: 14q23.2.
Variant type: single nucleotide variant.
Coding change: c.19624G>T on transcript NM_182914.3 (MANE Select); coding-DNA position 19624, G replaced by T.
Protein change: p.Gly6542Trp; replaces glycine 6542 with tryptophan.
Molecular consequence: missense variant.
Genome position (GRCh38, 1-based): chr14:64,218,479, G>T. VCF-style: chr14-64218479-G-T. GRCh37 (hg19) VCF-style: chr14-64685197-G-T.
Other names: c.19555G>T, p.Gly6519Trp (NM_015180.6); c.148G>T, p.Gly50Trp (NM_182910.2); c.526G>T, p.Gly176Trp (NM_182913.4); short protein forms G6542W, G176W, G6519W, G50W.
Identifiers: ClinVar variation 598975 (VCV000598975.11), dbSNP rs746433383, ClinGen allele CA7224519.

ClinVar aggregate classification (germline): Uncertain significance. Review status: criteria provided, multiple submitters, no conflicts (2 of 4 stars). 3 submissions from 3 submitters: Uncertain significance (3). Last evaluated 2025-09-30.

Conditions:
Emery-Dreifuss muscular dystrophy 5, autosomal dominant (EDMD5). Also called: EMERY-DREIFUSS MUSCULAR DYSTROPHY 5. Identifiers: Orphanet 261, MedGen C2751805, MONDO:0013072, OMIM 612999.

Allele frequency attached by ClinVar (database versions not stated): gnomAD 0.00001; TOPMed 0.00003; ExAC 0.00005.
gnomAD v4.1: 24 of 1,613,892 alleles (0.0015%); highest among the groups gnomAD compares: Admixed American, 0.037%; no homozygotes.

Submissions (3):

Labcorp Genetics (formerly Invitae), Labcorp
Classification: Uncertain significance for Emery-Dreifuss muscular dystrophy 5, autosomal dominant. Last evaluated: 2025-09-30. Review status: criteria provided, single submitter. Criteria: Invitae Variant Classification Sherloc (09022015). Collection method: clinical testing. Allele origin: germline.
Comment: This sequence change replaces glycine, which is neutral and non-polar, with tryptophan, which is neutral and slightly polar, at codon 6542 of the SYNE2 protein (p.Gly6542Trp). This variant is present in population databases (rs746433383, gnomAD 0.05%), and has an allele count higher than expected for a pathogenic variant. This missense change has been observed in individual(s) with clinical features of SYNE2-related conditions (PMID: 30755392). ClinVar contains an entry for this variant (Variation ID: 598975). An algorithm developed to predict the effect of missense changes on protein structure and function (PolyPhen-2) suggests that this variant is likely to be disruptive. In summary, the available evidence is currently insufficient to determine the role of this variant in disease. Therefore, it has been classified as a Variant of Uncertain Significance.

Center for Personalized Medicine, Children's Hospital Los Angeles
Classification: Uncertain significance. Last evaluated: 2018-11-19. Review status: criteria provided, single submitter. Criteria: ACMG Guidelines, 2015. Collection method: clinical testing. Allele origin: germline. Affected: yes.

Breakthrough Genomics
Classification: Uncertain significance. Review status: criteria provided, single submitter. Criteria: ACMG Guidelines, 2015. Collection method: not provided. Allele origin: germline. Inheritance: Autosomal dominant inheritance. Affected: yes.

Literature cited by the submitters: PubMed 30755392 (cited by Labcorp Genetics (formerly Invitae), Labcorp).